The following is an entry in ClinVar:

ClinVar aggregate classification (germline): Uncertain significance (1 of 4 stars; one submission).

Submission:

Labcorp Genetics (formerly Invitae), Labcorp
Classification: Uncertain significance. Last evaluated: 2021-09-21. Review status: criteria provided, single submitter. Criteria: Invitae Variant Classification Sherloc (09022015). Collection method: clinical testing. Allele origin: germline.
Comment: This sequence change replaces threonine with lysine at codon 866 of the RBP3 protein (p.Thr866Lys). The threonine residue is highly conserved and there is a moderate physicochemical difference between threonine and lysine. This variant is not present in population databases (ExAC no frequency). This variant has not been reported in the literature in individuals affected with RBP3-related conditions. Algorithms developed to predict the effect of missense changes on protein structure and function are either unavailable or do not agree on the potential impact of this missense change (SIFT: "Deleterious"; PolyPhen-2: "Possibly Damaging"; Align-GVGD: "Class C0"). In summary, the available evidence is currently insufficient to determine the role of this variant in disease. Therefore, it has been classified as a Variant of Uncertain Significance.

NM_002900.3(RBP3):c.2597C>A (p.Thr866Lys)

Gene: RBP3 (retinol binding protein 3; plus strand). Cytogenetic location: 10q11.22.
Variant type: single nucleotide variant.
Coding change: c.2597C>A on transcript NM_002900.3 (MANE Select); coding-DNA position 2597, C replaced by A.
Protein change: p.Thr866Lys; replaces threonine 866 with lysine.
Molecular consequence: missense variant.
Genome position (GRCh38, 1-based): chr10:47,351,081, C>A. VCF-style: chr10-47351081-C-A. GRCh37 (hg19) VCF-style: chr10-48388281-G-T.
Other names: short protein forms T866K.
Identifiers: ClinVar variation 1482324 (VCV001482324.5), dbSNP rs782152099, ClinGen allele CA206465263.